The following is an entry in ClinVar:

NM_173483.4(CYP4F22):c.110G>T (p.Arg37Leu)

Gene: CYP4F22 (cytochrome P450 family 4 subfamily F member 22; plus strand). Cytogenetic location: 19p13.12.
Variant type: single nucleotide variant.
Coding change: c.110G>T on transcript NM_173483.4 (MANE Select); coding-DNA position 110, G replaced by T.
Protein change: p.Arg37Leu; replaces arginine 37 with leucine.
Molecular consequence: missense variant.
Genome position (GRCh38, 1-based): chr19:15,525,446, G>T. VCF-style: chr19-15525446-G-T. GRCh37 (hg19) VCF-style: chr19-15636257-G-T.
Other names: short protein forms R37L.
Identifiers: ClinVar variation 2077223 (VCV002077223.3), dbSNP rs746979996, ClinGen allele CA9269462.

ClinVar aggregate classification (germline): Uncertain significance. Review status: criteria provided, multiple submitters, no conflicts (2 of 4 stars). 2 submissions from 2 submitters: Uncertain significance (2). Last evaluated 2025-05-16.

Allele frequency attached by ClinVar (database versions not stated): TOPMed 0.00002; gnomAD 0.00003.
gnomAD v4.1: 50 of 1,613,982 alleles (0.0031%); highest among the groups gnomAD compares: Non-Finnish European, 0.003%; no homozygotes.

Submissions (2):

Labcorp Genetics (formerly Invitae), Labcorp
Classification: Uncertain significance. Last evaluated: 2025-05-16. Review status: criteria provided, single submitter. Criteria: Invitae Variant Classification Sherloc (09022015). Collection method: clinical testing. Allele origin: germline.
Comment: This sequence change replaces arginine, which is basic and polar, with leucine, which is neutral and non-polar, at codon 37 of the CYP4F22 protein (p.Arg37Leu). This variant is present in population databases (rs746979996, gnomAD 0.008%). This variant has not been reported in the literature in individuals affected with CYP4F22-related conditions. ClinVar contains an entry for this variant (Variation ID: 2077223). Invitae Evidence Modeling of protein sequence and biophysical properties (such as structural, functional, and spatial information, amino acid conservation, physicochemical variation, residue mobility, and thermodynamic stability) indicates that this missense variant is not expected to disrupt CYP4F22 protein function with a negative predictive value of 95%. In summary, the available evidence is currently insufficient to determine the role of this variant in disease. Therefore, it has been classified as a Variant of Uncertain Significance.

Blueprint Genetics
Classification: Uncertain significance. Last evaluated: 2024-08-29. Review status: criteria provided, single submitter. Criteria: ACMG Guidelines, 2015. Collection method: clinical testing. Allele origin: germline.